The following is an entry in ClinVar:

NM_000143.4(FH):c.553_554insTG (p.Gln185fs)

Gene: FH (fumarate hydratase; minus strand). Cytogenetic location: 1q43.
Variant type: Insertion.
Coding change: c.553_554insTG on transcript NM_000143.4 (MANE Select); coding-DNA positions 553 to 554, TG inserted.
Protein change: p.Gln185fs; shifts the reading frame from glutamine 185.
Molecular consequence: frameshift variant.
Genome position: GRCh38 VCF-style: chr1-241511968-T-TCA. GRCh37 (hg19) VCF-style: chr1-241675268-T-TCA.
Other names: short protein forms Q185fs.
Identifiers: ClinVar variation 393565 (VCV000393565.20), dbSNP rs768182640, ClinGen allele CA1478668.
Genomic context (GRCh38, chr1:241,511,968, plus strand): 5'-ACAATCTCAGGTATGCTTTTCAATTTATAACCAAAAAACAGCAAAGCTCACATACTGACC[T>TCA]GGCTTTTATTAACATGATCGTTGGGATGCACAGGTATCTTGCTGCCAAGTTCACCTCCTA-3'

ClinVar aggregate classification (germline): Pathogenic/Likely pathogenic. Review status: criteria provided, multiple submitters, no conflicts (2 of 4 stars). 7 submissions from 7 submitters: Pathogenic (6); Likely pathogenic (1). Last evaluated 2025-10-13.

Conditions:
Fumarase deficiency (FMRD). Also called: Fumaric aciduria; Fumarate Hydratase Deficiency. Identifiers: Orphanet 24, MedGen C0342770, MONDO:0011730, OMIM 606812.
Hereditary leiomyomatosis and renal cell cancer. Also called: LEIOMYOMA, MULTIPLE CUTANEOUS; MULTIPLE CUTANEOUS AND UTERINE LEIOMYOMATA 1, WITH OR WITHOUT RENAL CELL CARCINOMA; Reed syndrome; Multiple cutaneous and uterine leiomyomatosis; Cutaneous leiomyomata with uterine leiomyomata; Leiomyoma, hereditary multiple, of skin. Identifiers: Orphanet 523, MedGen C1708350, MONDO:0007888, OMIM 150800, HP:0007437. Disease mechanism: loss of function.
Hereditary cancer-predisposing syndrome. Also called: Neoplastic Syndromes, Hereditary; Hereditary Cancer Syndrome; Hereditary neoplastic syndrome; Tumor predisposition. Identifiers: Orphanet 140162, MedGen C0027672, MeSH D009386, MONDO:0015356.

Allele frequency attached by ClinVar (database versions not stated): gnomAD exomes below 0.00001 and 0.00001; ExAC 0.00001.

Submissions (7):

Labcorp Genetics (formerly Invitae), Labcorp
Classification: Pathogenic. Last evaluated: 2025-10-13. Review status: criteria provided, single submitter. Criteria: Invitae Variant Classification Sherloc (09022015). Collection method: clinical testing. Allele origin: germline.
Comment: This sequence change creates a premature translational stop signal (p.Gln185Leufs*18) in the FH gene. It is expected to result in an absent or disrupted protein product. Loss-of-function variants in FH are known to be pathogenic (PMID: 11865300, 21398687). This variant is present in population databases (rs768182640, gnomAD 0.006%). This premature translational stop signal has been observed in individual(s) with clinical features of hereditary leiomyomatosis and renal cell cancer (PMID: 26023681). ClinVar contains an entry for this variant (Variation ID: 393565). For these reasons, this variant has been classified as Pathogenic.

Natera, Inc.
Classification: Likely pathogenic for Fumarase Deficiency. Last evaluated: 2024-08-14. Review status: criteria provided, single submitter. Criteria: Natera Variant Classification Schema (03/2026). Collection method: clinical testing. Allele origin: germline.
Comment: The c.553_554insTG variant in FH is a frameshift variant predicted to shift the reading frame beginning at codon 185 and leads to a stop codon 18 codons downstream. This variant is expected to result in nonsense mediated decay, truncation, or a dysfunctional protein product. This variant is rare in the general population with a frequency below the threshold expected for the associated phenotype(s). Given the available evidence, this variant is classified as Likely Pathogenic.

Baylor Genetics
Classification: Pathogenic for Fumarase deficiency. Last evaluated: 2023-10-18. Review status: criteria provided, single submitter. Criteria: ACMG Guidelines, 2015. Collection method: clinical testing. Allele origin: unknown.

Myriad Genetics, Inc.
Classification: Pathogenic for Hereditary leiomyomatosis and renal cell cancer. Last evaluated: 2023-02-08. Review status: criteria provided, single submitter. Criteria: Myriad Autosomal Dominant, Autosomal Recessive and X-Linked Classification Criteria (2023). Collection method: clinical testing. Allele origin: unknown.
Comment: This variant is considered pathogenic. This variant creates a frameshift predicted to result in premature protein truncation.

Ambry Genetics
Classification: Pathogenic for Hereditary cancer-predisposing syndrome. Last evaluated: 2023-01-20. Review status: criteria provided, single submitter. Criteria: Ambry Variant Classification Scheme 2023. Collection method: clinical testing. Allele origin: germline.
Comment: The c.553_554insTG pathogenic mutation, located in coding exon 4 of the FH gene, results from an insertion of two nucleotides at position 553, causing a translational frameshift with a predicted alternate stop codon (p.Q185Lfs*18). This variant is considered to be rare based on population cohorts in the Genome Aggregation Database (gnomAD). In addition to the clinical data presented in the literature, this alteration is expected to result in loss of function by premature protein truncation or nonsense-mediated mRNA decay. As such, this alteration is interpreted as a disease-causing mutation.

GeneDx
Classification: Pathogenic. Last evaluated: 2020-05-19. Review status: criteria provided, single submitter. Criteria: GeneDx Variant Classification Process June 2021. Collection method: clinical testing. Allele origin: germline. Affected: yes.
Comment: Frameshift variant predicted to result in protein truncation or nonsense mediated decay in a gene for which loss-of-function is a known mechanism of disease; Not observed at a significant frequency in large population cohorts (Lek 2016); This variant is associated with the following publications: (PMID: 26023681)

Genomic Diagnostic Laboratory, Division of Genomic Diagnostics, Children's Hospital of Philadelphia
Classification: Pathogenic for Hereditary leiomyomatosis and renal cell cancer. Last evaluated: 2017-01-17. Review status: criteria provided, single submitter. Criteria: DGD Variant Analysis Guidelines. Collection method: clinical testing. Allele origin: germline. Affected: yes. Observed: 2 variant alleles.
Comment: Clinical Testing

Literature cited by the submitters: PubMed 11865300 (cited by Labcorp Genetics (formerly Invitae), Labcorp); PubMed 21398687 (cited by Labcorp Genetics (formerly Invitae), Labcorp); PubMed 26023681 (cited by Labcorp Genetics (formerly Invitae), Labcorp and Ambry Genetics).